The following is an entry in ClinVar:

NM_001048174.2(MUTYH):c.1025A>C (p.Glu342Ala)

Gene: MUTYH (mutY DNA glycosylase; minus strand). Cytogenetic location: 1p34.1.
Variant type: single nucleotide variant.
Coding change: c.1025A>C on transcript NM_001048174.2 (MANE Select); coding-DNA position 1025, A replaced by C.
Protein change: p.Glu342Ala; replaces glutamic acid 342 with alanine.
Molecular consequence: missense variant. On other transcripts: non-coding transcript variant (7).
Genome position (GRCh38, 1-based): chr1:45,331,738, T>G on the plus strand (A>C on the coding strand, the complement: MUTYH is on the minus strand). VCF-style: chr1-45331738-T-G. GRCh37 (hg19) VCF-style: chr1-45797410-T-G.
Other names: c.1025A>C, p.Glu342Ala (NM_001293195.2, NM_001407070.1, NM_001407072.1 and 6 more transcripts); c.749A>C, p.Glu250Ala (NM_001293196.2, NM_001407091.1, NM_001293192.2); c.680A>C, p.Glu227Ala (NM_001350650.2, NM_001350651.2, NM_001407082.1); c.1058A>C, p.Glu353Ala (NM_001407069.1, NM_001293191.2, NM_001407077.1); c.1028A>C, p.Glu343Ala (NM_001407071.1, NM_001048172.2, NM_001407078.1 and 1 more transcripts); c.1046A>C, p.Glu349Ala (NM_001407087.1); c.1100A>C, p.Glu367Ala (NM_012222.3); c.1109A>C, p.Glu370Ala (NM_001128425.2); and 5 more; short protein forms E349A, E357A, E370A, E328A, E342A, E227A, E250A, E314A.
Identifiers: ClinVar variation 4113020 (VCV004113020.1).

ClinVar aggregate classification (germline): Uncertain significance (1 of 4 stars; one submission).

Conditions:
Hereditary cancer-predisposing syndrome. Also called: Tumor predisposition; Neoplastic Syndromes, Hereditary; Hereditary neoplastic syndrome; Hereditary Cancer Syndrome. Identifiers: Orphanet 140162, MedGen C0027672, MeSH D009386, MONDO:0015356.

Submission:

Ambry Genetics
Classification: Uncertain significance for Hereditary cancer-predisposing syndrome. Last evaluated: 2025-08-27. Review status: criteria provided, single submitter. Criteria: Ambry Variant Classification Scheme 2023. Collection method: clinical testing. Allele origin: germline.
Comment: The p.E370A variant (also known as c.1109A>C), located in coding exon 12 of the MUTYH gene, results from an A to C substitution at nucleotide position 1109. The glutamic acid at codon 370 is replaced by alanine, an amino acid with dissimilar properties. This amino acid position is conserved. In addition, the in silico prediction for this alteration is inconclusive. Based on the available evidence, the clinical significance of this variant remains unclear.